The following is an entry in ClinVar:

NM_006767.4(LZTR1):c.652G>A (p.Val218Met)

Gene: LZTR1 (leucine zipper like post translational regulator 1; plus strand). Cytogenetic location: 22q11.21.
Variant type: single nucleotide variant.
Coding change: c.652G>A on transcript NM_006767.4 (MANE Select); coding-DNA position 652, G replaced by A.
Protein change: p.Val218Met; replaces valine 218 with methionine.
Molecular consequence: missense variant.
Genome position (GRCh38, 1-based): chr22:20,990,386, G>A. VCF-style: chr22-20990386-G-A. GRCh37 (hg19) VCF-style: chr22-21344675-G-A.
Other names: short protein forms V218M.
Identifiers: ClinVar variation 1754069 (VCV001754069.6), dbSNP rs770126689, ClinGen allele CA10118582.
Genomic context (GRCh38, chr22:20,990,386, plus strand): 5'-TGTGGTGAAATGTGAGCGGGCCCTGTGAGGCCGGGGCTGAGCTGTCCTCTCCCCCTGCAG[G>A]TGGCCCAGAGTGGCGAGATCCCCCCATCTTGCTGCAACTTCCCCGTGGCTGTGTGCCGGG-3'
Protein context (NP_006758.2, residues 208-228): QDRELTCWEE[Val218Met]AQSGEIPPSC

ClinVar aggregate classification (germline): Uncertain significance. Review status: criteria provided, multiple submitters, no conflicts (2 of 4 stars). 3 submissions from 3 submitters: Uncertain significance (3). Last evaluated 2025-10-01.

Conditions:
Cardiovascular phenotype. Identifiers: MedGen CN230736.
Hereditary cancer-predisposing syndrome. Also called: Neoplastic Syndromes, Hereditary; Tumor predisposition; Hereditary Cancer Syndrome; Hereditary neoplastic syndrome. Identifiers: Orphanet 140162, MedGen C0027672, MeSH D009386, MONDO:0015356.

Allele frequency attached by ClinVar (database versions not stated): TOPMed below 0.00001; gnomAD 0.00001; gnomAD exomes 0.00001; ExAC 0.00002.
gnomAD v4.1: 10 of 1,614,006 alleles (0.00062%); highest among the groups gnomAD compares: South Asian, 0.011%; no homozygotes.

Submissions (3):

Labcorp Genetics (formerly Invitae), Labcorp
Classification: Uncertain significance. Last evaluated: 2025-10-01. Review status: criteria provided, single submitter. Criteria: Invitae Variant Classification Sherloc (09022015). Collection method: clinical testing. Allele origin: germline.
Comment: This sequence change replaces valine, which is neutral and non-polar, with methionine, which is neutral and non-polar, at codon 218 of the LZTR1 protein (p.Val218Met). This variant is present in population databases (rs770126689, gnomAD 0.01%). This variant has not been reported in the literature in individuals affected with LZTR1-related conditions. ClinVar contains an entry for this variant (Variation ID: 1754069). An algorithm developed to predict the effect of missense changes on protein structure and function (PolyPhen-2) suggests that this variant is likely to be disruptive. In summary, the available evidence is currently insufficient to determine the role of this variant in disease. Therefore, it has been classified as a Variant of Uncertain Significance.

Ambry Genetics
Classification: Uncertain significance for Cardiovascular phenotype; Hereditary cancer-predisposing syndrome. Last evaluated: 2025-08-06. Review status: criteria provided, single submitter. Criteria: Ambry Variant Classification Scheme 2023. Collection method: clinical testing. Allele origin: germline.

GeneDx
Classification: Uncertain significance. Last evaluated: 2025-01-03. Review status: criteria provided, single submitter. Criteria: GeneDx Variant Classification Process June 2021. Collection method: clinical testing. Allele origin: germline. Affected: yes.
Comment: Not observed at significant frequency in large population cohorts (gnomAD); In silico analysis indicates that this missense variant does not alter protein structure/function; Has not been previously published as pathogenic or benign to our knowledge